The following is an entry in ClinVar:

ClinVar aggregate classification (germline): Uncertain significance (1 of 4 stars; one submission).

Conditions:
Kabuki syndrome. Also called: Kabuki make-up syndrome; NIIKAWA-KUROKI SYNDROME. Identifiers: Orphanet 2322, MedGen C0796004, MONDO:0016512.

Submission:

Labcorp Genetics (formerly Invitae), Labcorp
Classification: Uncertain significance for Kabuki syndrome. Last evaluated: 2024-04-25. Review status: criteria provided, single submitter. Criteria: Invitae Variant Classification Sherloc (09022015). Collection method: clinical testing. Allele origin: germline.
Comment: This sequence change replaces proline, which is neutral and non-polar, with serine, which is neutral and polar, at codon 1045 of the KMT2D protein (p.Pro1045Ser). This variant is not present in population databases (gnomAD no frequency). This variant has not been reported in the literature in individuals affected with KMT2D-related conditions. Advanced modeling of protein sequence and biophysical properties (such as structural, functional, and spatial information, amino acid conservation, physicochemical variation, residue mobility, and thermodynamic stability) performed at Invitae indicates that this missense variant is not expected to disrupt KMT2D protein function with a negative predictive value of 95%. In summary, the available evidence is currently insufficient to determine the role of this variant in disease. Therefore, it has been classified as a Variant of Uncertain Significance.

NM_003482.4(KMT2D):c.3133C>T (p.Pro1045Ser)

Gene: KMT2D (lysine methyltransferase 2D; minus strand). Cytogenetic location: 12q13.12.
Variant type: single nucleotide variant.
Coding change: c.3133C>T on transcript NM_003482.4 (MANE Select); coding-DNA position 3133, C replaced by T.
Protein change: p.Pro1045Ser; replaces proline 1045 with serine.
Molecular consequence: missense variant.
Genome position (GRCh38, 1-based): chr12:49,050,455, G>A on the plus strand (C>T on the coding strand, the complement: KMT2D is on the minus strand). VCF-style: chr12-49050455-G-A. GRCh37 (hg19) VCF-style: chr12-49444238-G-A.
Other names: short protein forms P1045S.
Identifiers: ClinVar variation 3619992 (VCV003619992.2).
Genomic context (GRCh38, chr12:49,050,455, plus strand): 5'-AGACCCCCACTACCTTCCCTATGGGACTCAACGGGGAGGGAACGGACAGTGGTAGGGCAG[G>A]AGGAGAGCACTGGGAAGGAGGGGAGTTTTGGGGAACCAGGGAATGCTGAAGGAGTGGCGA-3'
Protein context (NP_003473.3, residues 1035-1055): QNSPPSQCSP[Pro1045Ser]ALPLSVPSPL